The following is an entry in ClinVar:

ClinVar aggregate classification (germline): Uncertain significance. Review status: criteria provided, multiple submitters, no conflicts (2 of 4 stars). 2 submissions from 2 submitters: Uncertain significance (2). Last evaluated 2024-12-31.

Conditions:
A2ML1-related disorder. Also called: A2ML1-related condition.

Allele frequency attached by ClinVar (database versions not stated): ExAC 0.00001.
gnomAD v4.1: 5 of 1,612,440 alleles (0.00031%); highest among the groups gnomAD compares: Non-Finnish European, 0.00042%; no homozygotes.

Submissions (2):

PreventionGenetics, part of Exact Sciences
Classification: Uncertain significance for A2ML1-related condition. Last evaluated: 2024-12-31. Review status: criteria provided, single submitter. Criteria: ACMG Guidelines, 2015. Collection method: clinical testing. Allele origin: germline.
Comment: The A2ML1 c.1476+1G>A variant is predicted to disrupt the GT donor site and interfere with normal splicing. To our knowledge, this variant has not been reported in the literature. This variant is reported in 0.00089% of alleles in individuals of European (Non-Finnish) descent in gnomAD. Loss of function is not an established mechanism of A2ML1-Noonan syndrome. Although we suspect that this variant may be pathogenic, at this time, the clinical significance of this variant is uncertain due to the absence of conclusive functional and genetic evidence.

Labcorp Genetics (formerly Invitae), Labcorp
Classification: Uncertain significance. Last evaluated: 2023-12-25. Review status: criteria provided, single submitter. Criteria: Invitae Variant Classification Sherloc (09022015). Collection method: clinical testing. Allele origin: germline.
Comment: This sequence change affects a donor splice site in intron 12 of the A2ML1 gene. It is expected to disrupt RNA splicing. Variants that disrupt the donor or acceptor splice site typically lead to a loss of protein function (PMID: 16199547), however the current clinical and genetic evidence is not sufficient to establish whether loss-of-function variants in A2ML1 cause disease. This variant is present in population databases (rs758062102, gnomAD 0.0009%). This variant has not been reported in the literature in individuals affected with A2ML1-related conditions. Algorithms developed to predict the effect of sequence changes on RNA splicing suggest that this variant may disrupt the consensus splice site. In summary, the available evidence is currently insufficient to determine the role of this variant in disease. Therefore, it has been classified as a Variant of Uncertain Significance.

Literature cited by the submitters: PubMed 16199547 (cited by Labcorp Genetics (formerly Invitae), Labcorp).

NM_144670.6(A2ML1):c.1476+1G>A

Gene: A2ML1 (alpha-2-macroglobulin like 1; plus strand). Cytogenetic location: 12p13.31.
Variant type: single nucleotide variant.
Coding change: c.1476+1G>A on transcript NM_144670.6 (MANE Select); the canonical splice donor site of the intron after coding-DNA position 1476, G replaced by A.
Molecular consequence: splice donor variant.
Genome position (GRCh38, 1-based): chr12:8,843,362, G>A. VCF-style: chr12-8843362-G-A. GRCh37 (hg19) VCF-style: chr12-8995958-G-A.
Other names: c.1476+1G>A (NM_144670.5).
Identifiers: ClinVar variation 3017011 (VCV003017011.4), dbSNP rs758062102, ClinGen allele CA6435662.